The following is an entry in ClinVar:

ClinVar aggregate classification (germline): Benign/Likely benign. Review status: criteria provided, multiple submitters, no conflicts (2 of 4 stars). 2 submissions from 2 submitters: Benign (1); Likely benign (1). Last evaluated 2026-04-29.

Conditions:
Colorectal cancer, hereditary nonpolyposis, type 7. Identifiers: Orphanet 144, MedGen C1858380, MONDO:0013725, OMIM 614385.

Submissions (2):

Myriad Genetics, Inc.
Classification: Benign for Colorectal cancer, hereditary nonpolyposis, type 7. Last evaluated: 2026-04-29. Review status: criteria provided, single submitter. Criteria: Myriad Autosomal Dominant, Autosomal Recessive and X-Linked Classification Criteria (2023). Collection method: clinical testing. Allele origin: unknown.
Comment: This variant is considered benign. This variant is a silent/synonymous amino acid change and it is not expected to impact splicing.

Ambry Genetics
Classification: Likely benign. Last evaluated: 2021-03-31. Review status: criteria provided, single submitter. Criteria: Ambry Variant Classification Scheme 2023. Collection method: clinical testing. Allele origin: germline.

NM_001040108.2(MLH3):c.534C>G (p.Leu178=)

Gene: MLH3 (mutL homolog 3; minus strand). Cytogenetic location: 14q24.3.
Variant type: single nucleotide variant.
Coding change: c.534C>G on transcript NM_001040108.2 (MANE Select); coding-DNA position 534, C replaced by G.
Protein change: p.Leu178=; no amino-acid change (leucine 178 retained).
Molecular consequence: synonymous variant.
Genome position (GRCh38, 1-based): chr14:75,049,122, G>C on the plus strand (C>G on the coding strand, the complement: MLH3 is on the minus strand). VCF-style: chr14-75049122-G-C. GRCh37 (hg19) VCF-style: chr14-75515825-G-C.
Other names: c.534C>G, p.Leu178= (NM_014381.3).
Identifiers: ClinVar variation 1746979 (VCV001746979.3), dbSNP rs2139603902, ClinGen allele CA487274576.